The following is an entry in ClinVar:

ClinVar aggregate classification (germline): Uncertain significance (1 of 4 stars; one submission).

gnomAD v4.1: 5 of 1,165,902 alleles (0.00043%); highest among the groups gnomAD compares: Non-Finnish European, 0.00057%; no homozygotes.

Submission:

Labcorp Genetics (formerly Invitae), Labcorp
Classification: Uncertain significance. Last evaluated: 2024-04-03. Review status: criteria provided, single submitter. Criteria: Invitae Variant Classification Sherloc (09022015). Collection method: clinical testing. Allele origin: germline.
Comment: This sequence change replaces asparagine, which is neutral and polar, with aspartic acid, which is acidic and polar, at codon 601 of the GRIA3 protein (p.Asn601Asp). This variant is not present in population databases (gnomAD no frequency). This variant has not been reported in the literature in individuals affected with GRIA3-related conditions. Advanced modeling of protein sequence and biophysical properties (such as structural, functional, and spatial information, amino acid conservation, physicochemical variation, residue mobility, and thermodynamic stability) performed at Invitae indicates that this missense variant is not expected to disrupt GRIA3 protein function with a negative predictive value of 80%. In summary, the available evidence is currently insufficient to determine the role of this variant in disease. Therefore, it has been classified as a Variant of Uncertain Significance.

NM_007325.5(GRIA3):c.1801A>G (p.Asn601Asp)

Gene: GRIA3 (glutamate ionotropic receptor AMPA type subunit 3; plus strand). Cytogenetic location: Xq25.
Variant type: single nucleotide variant.
Coding change: c.1801A>G on transcript NM_007325.5 (MANE Select); coding-DNA position 1801, A replaced by G.
Protein change: p.Asn601Asp; replaces asparagine 601 with aspartic acid.
Molecular consequence: missense variant.
Genome position (GRCh38, 1-based): chrX:123,417,702, A>G. VCF-style: chrX-123417702-A-G. GRCh37 (hg19) VCF-style: chrX-122551553-A-G.
Other names: c.1801A>G, p.Asn601Asp (NM_000828.5); short protein forms N601D.
Identifiers: ClinVar variation 3651250 (VCV003651250.2).